The following is an entry in ClinVar:

NM_207122.2(EXT2):c.143A>T (p.His48Leu)

Gene: EXT2 (exostosin glycosyltransferase 2; plus strand). Cytogenetic location: 11p11.2.
Variant type: single nucleotide variant.
Coding change: c.143A>T on transcript NM_207122.2 (MANE Select); coding-DNA position 143, A replaced by T.
Protein change: p.His48Leu; replaces histidine 48 with leucine.
Molecular consequence: missense variant.
Genome position (GRCh38, 1-based): chr11:44,107,855, A>T. VCF-style: chr11-44107855-A-T. GRCh37 (hg19) VCF-style: chr11-44129405-A-T.
Other names: c.242A>T, p.His81Leu (NM_000401.3); c.143A>T, p.His48Leu (NM_001178083.3, NM_001389628.1, NM_001389630.1); short protein forms H81L, H48L.
Identifiers: ClinVar variation 717623 (VCV000717623.8), dbSNP rs1590547374, ClinGen allele CA380179715.

ClinVar aggregate classification (germline): Conflicting classifications of pathogenicity. Review status: criteria provided, conflicting classifications (1 of 4 stars). 3 submissions from 3 submitters: Uncertain significance (2); Benign (1). Last evaluated 2026-04-06.

Conditions:
Inborn genetic diseases. Identifiers: MedGen C0950123, MeSH D030342.
EXT2-related disorder. Also called: EXT2-related condition.
Exostoses, multiple, type 2 (EXT2). Also called: Hereditary Multiple Osteochondromatosis, Type II; EXOSTOSES, MULTIPLE, TYPE II. Identifiers: Orphanet 321, MedGen C1851413, MONDO:0007586, OMIM 133701.

Allele frequency attached by ClinVar (database versions not stated): gnomAD exomes below 0.00001; TOPMed below 0.00001.
gnomAD v4.1: 7 of 1,614,114 alleles (0.00043%); highest among the groups gnomAD compares: Middle Eastern, 0.016%; no homozygotes.

Submissions (3):

PreventionGenetics, part of Exact Sciences
Classification: Uncertain significance for EXT2-related condition. Last evaluated: 2026-04-06. Review status: criteria provided, single submitter. Criteria: ACMG Guidelines, 2015. Collection method: clinical testing. Allele origin: germline.
Comment: The EXT2 c.143A>T variant is predicted to result in the amino acid substitution p.His48Leu. To our knowledge, this variant has not been reported in the literature or in a large population database (gnomAD), indicating this variant is rare. At this time, the clinical significance of this variant is uncertain due to the absence of conclusive functional and genetic evidence.

Ambry Genetics
Classification: Uncertain significance for Inborn genetic diseases. Last evaluated: 2025-08-21. Review status: criteria provided, single submitter. Criteria: Ambry Variant Classification Scheme 2023. Collection method: clinical testing. Allele origin: germline.

Labcorp Genetics (formerly Invitae), Labcorp
Classification: Benign for Exostoses, multiple, type 2. Last evaluated: 2023-06-28. Review status: criteria provided, single submitter. Criteria: Invitae Variant Classification Sherloc (09022015). Collection method: clinical testing. Allele origin: germline.